The following is an entry in ClinVar:

ClinVar aggregate classification (germline): Uncertain significance (1 of 4 stars; one submission).

gnomAD v4.1: 2 of 1,614,006 alleles (0.00012%); highest among the groups gnomAD compares: Admixed American, 0.0017%; no homozygotes.

Submission:

GeneDx
Classification: Uncertain significance. Last evaluated: 2025-07-30. Review status: criteria provided, single submitter. Criteria: GeneDx Variant Classification Process June 2021. Collection method: clinical testing. Allele origin: germline. Affected: yes.
Comment: Not observed at significant frequency in large population cohorts (gnomAD); In silico analysis supports that this missense variant has a deleterious effect on protein structure/function; Has not been previously published as pathogenic or benign to our knowledge

NM_000384.3(APOB):c.142C>T (p.His48Tyr)

Genes: APOB (apolipoprotein B; minus strand), LOC106560211 (APOB 5' regulatory region; plus strand). Cytogenetic location: 2p24.1.
Variant type: single nucleotide variant.
Coding change: c.142C>T on transcript NM_000384.3 (MANE Select); coding-DNA position 142, C replaced by T.
Protein change: p.His48Tyr; replaces histidine 48 with tyrosine.
Molecular consequence: missense variant.
Genome position (GRCh38, 1-based): chr2:21,042,456, G>A on the plus strand (C>T on the coding strand, the complement: APOB is on the minus strand). VCF-style: chr2-21042456-G-A. GRCh37 (hg19) VCF-style: chr2-21265328-G-A.
Other names: short protein forms H48Y.
Identifiers: ClinVar variation 4755831 (VCV004755831.1).